The following is an entry in ClinVar:

NM_017882.3(CLN6):c.*934G>T

Gene: CLN6 (CLN6 transmembrane ER protein; minus strand). Cytogenetic location: 15q23.
Variant type: single nucleotide variant.
Coding change: c.*934G>T on transcript NM_017882.3 (MANE Select); 934 bases downstream of the stop codon, G replaced by T.
Molecular consequence: 3 prime UTR variant.
Genome position (GRCh38, 1-based): chr15:68,207,206, C>A on the plus strand (G>T on the coding strand, the complement: CLN6 is on the minus strand). VCF-style: chr15-68207206-C-A. GRCh37 (hg19) VCF-style: chr15-68499544-C-A.
Identifiers: ClinVar variation 316968 (VCV000316968.5), dbSNP rs114551417, ClinGen allele CA10646540.

ClinVar aggregate classification (germline): Likely benign (1 of 4 stars; one submission).

Conditions:
Neuronal ceroid lipofuscinosis. Also called: Neuronal Ceroid Lipofuscinoses. Identifiers: Orphanet 216, Orphanet 79263, MedGen C0027877, MONDO:0016295. Disease mechanism: loss of function.

Allele frequency attached by ClinVar (database versions not stated): gnomAD 0.00323 and 0.00341; TOPMed 0.00370; 1000 Genomes Project 0.00399; 1000 Genomes Project 30x 0.00453.

Submission:

Illumina Laboratory Services, Illumina
Classification: Likely benign for Neuronal ceroid lipofuscinosis. Last evaluated: 2018-01-13. Review status: criteria provided, single submitter. Criteria: ICSL Variant Classification Criteria 13 December 2019. Collection method: clinical testing. Allele origin: germline.
Comment: This variant was observed in the ICSL laboratory as part of a predisposition screen in an ostensibly healthy population. It had not been previously curated by ICSL or reported in the Human Gene Mutation Database (HGMD: prior to June 1st, 2018), and was therefore a candidate for classification through an automated scoring system. Utilizing variant allele frequency, disease prevalence and penetrance estimates, and inheritance mode, an automated score was calculated to assess if this variant is too frequent to cause the disease. Based on the score and internal cut-off values, a variant classified as likely benign is not then subjected to further curation. The score for this variant resulted in a classification of likely benign for this disease.